The following is an entry in ClinVar:

ClinVar aggregate classification (germline): Uncertain significance (1 of 4 stars; one submission).

gnomAD v4.1: 9 of 1,613,452 alleles (0.00056%); highest among the groups gnomAD compares: African/African-American, 0.0067%; no homozygotes.

Submission:

Labcorp Genetics (formerly Invitae), Labcorp
Classification: Uncertain significance. Last evaluated: 2025-03-18. Review status: criteria provided, single submitter. Criteria: Invitae Variant Classification Sherloc (09022015). Collection method: clinical testing. Allele origin: germline.
Comment: This sequence change replaces valine, which is neutral and non-polar, with glutamic acid, which is acidic and polar, at codon 638 of the DUOX2 protein (p.Val638Glu). This variant is present in population databases (no rsID available, gnomAD 0.008%). This variant has not been reported in the literature in individuals affected with DUOX2-related conditions. Invitae Evidence Modeling of protein sequence and biophysical properties (such as structural, functional, and spatial information, amino acid conservation, physicochemical variation, residue mobility, and thermodynamic stability) indicates that this missense variant is not expected to disrupt DUOX2 protein function with a negative predictive value of 80%. In summary, the available evidence is currently insufficient to determine the role of this variant in disease. Therefore, it has been classified as a Variant of Uncertain Significance.

NM_001363711.2(DUOX2):c.1913T>A (p.Val638Glu)

Gene: DUOX2 (dual oxidase 2; minus strand). Cytogenetic location: 15q21.1.
Variant type: single nucleotide variant.
Coding change: c.1913T>A on transcript NM_001363711.2 (MANE Select); coding-DNA position 1913, T replaced by A.
Protein change: p.Val638Glu; replaces valine 638 with glutamic acid.
Molecular consequence: missense variant.
Genome position (GRCh38, 1-based): chr15:45,106,560, A>T on the plus strand (T>A on the coding strand, the complement: DUOX2 is on the minus strand). VCF-style: chr15-45106560-A-T. GRCh37 (hg19) VCF-style: chr15-45398758-A-T.
Other names: c.1913T>A, p.Val638Glu (NM_014080.5); short protein forms V638E.
Identifiers: ClinVar variation 4742702 (VCV004742702.1).